The following is an entry in ClinVar:

NM_000057.4(BLM):c.2074+5G>A

Gene: BLM (BLM RecQ like helicase; plus strand). Cytogenetic location: 15q26.1.
Variant type: single nucleotide variant.
Coding change: c.2074+5G>A on transcript NM_000057.4 (MANE Select); 5 bases into the intron after coding-DNA position 2074, G replaced by A.
Molecular consequence: intron variant.
Genome position (GRCh38, 1-based): chr15:90,763,162, G>A. VCF-style: chr15-90763162-G-A. GRCh37 (hg19) VCF-style: chr15-91306392-G-A.
Other names: IVS8+5G>A; c.2074+5G>A (NM_001287246.2, NM_001287247.2, LRG_20t1); c.949+5G>A (NM_001287248.2).
Identifiers: ClinVar variation 127481 (VCV000127481.11), dbSNP rs587779880, ClinGen allele CA287064.
Genomic context (GRCh38, chr15:90,763,162, plus strand): 5'-AGAGGCGATCAATGCTGCACTGCTTGGTGAAGACTGTTTTATCCTGATGCCGACTGGTAT[G>A]TATTTTTAGAAGTGAATTGGCAGGAATCCATTGGCAGATGTTAAATGAAAGCTCTTTAAT-3'

ClinVar aggregate classification (germline): Conflicting classifications of pathogenicity. Review status: criteria provided, conflicting classifications (1 of 4 stars). 3 submissions from 3 submitters: Pathogenic (1); Uncertain significance (2). Last evaluated 2026-02-11.

Conditions:
Hereditary cancer-predisposing syndrome. Also called: Neoplastic Syndromes, Hereditary; Hereditary neoplastic syndrome; Tumor predisposition; Hereditary Cancer Syndrome. Identifiers: Orphanet 140162, MedGen C0027672, MeSH D009386, MONDO:0015356.
Bloom syndrome (BLM). Also called: Bloom-Torre-Machacek syndrome. Identifiers: Orphanet 125, MedGen C0005859, MONDO:0008876, OMIM 210900.

Allele frequency attached by ClinVar (database versions not stated): gnomAD exomes below 0.00001.
gnomAD v4.1: 1 of 1,613,730 alleles (0.000062%); highest among the groups gnomAD compares: Non-Finnish European, 0.000085%; no homozygotes.

Submissions (3):

Ambry Genetics
Classification: Uncertain significance for Hereditary cancer-predisposing syndrome. Last evaluated: 2026-02-11. Review status: criteria provided, single submitter. Criteria: Ambry Variant Classification Scheme 2023. Collection method: clinical testing. Allele origin: germline.
Comment: The c.2074+5G>A intronic variant results from a G to A substitution 5 nucleotides after coding exon 7 in the BLM gene. This nucleotide position is highly conserved in available vertebrate species. In silico splice site analysis predicts that this alteration will weaken the native splice donor site. Based on the available evidence, the clinical significance of this variant remains unclear.

Labcorp Genetics (formerly Invitae), Labcorp
Classification: Pathogenic for Bloom syndrome. Last evaluated: 2025-11-10. Review status: criteria provided, single submitter. Criteria: Invitae Variant Classification Sherloc (09022015). Collection method: clinical testing. Allele origin: germline.
Comment: This sequence change falls in intron 8 of the BLM gene. It does not directly change the encoded amino acid sequence of the BLM protein. RNA analysis indicates that this variant induces altered splicing and likely results in a shortened protein product. This variant is not present in population databases (gnomAD no frequency). This variant has not been reported in the literature in individuals affected with BLM-related conditions. ClinVar contains an entry for this variant (Variation ID: 127481). Variants that disrupt the consensus splice site are a relatively common cause of aberrant splicing (PMID: 17576681, 9536098). Studies have shown that this variant results in skipping of exon 8, but is expected to preserve the integrity of the reading-frame (internal data). This variant disrupts a region of the BLM protein in which other variant(s) (p.Gln672Arg) have been determined to be pathogenic (PMID: 10069810, 10812332, 12444098, 17407155, 17878217, 22582397, 31253795). This suggests that this is a clinically significant region of the protein, and that variants that disrupt it are likely to be disease-causing. For these reasons, this variant has been classified as Pathogenic.

GeneDx
Classification: Uncertain significance. Last evaluated: 2014-02-26. Review status: criteria provided, single submitter. Criteria: GeneDx Variant Classification (06012015). Collection method: clinical testing. Allele origin: germline. Affected: yes.
Comment: Single pathogenic variants in BLM have only recently been described in association with cancer predisposition and the risks are not well understood. This variant is denoted BLM IVS8+5G>A or c.2074+5G>A and consists of a G>A nucleotide substitution at the +5 position of intron 8 of the BLM gene. Multiple in silico models predict this variant to destroy the nearby natural donor site, and to possibly cause abnormal gene splicing. This variant has not, to our knowledge, been published in the literature as pathogenic or benign. BLM c.2074+5G>A was not observed in approximately 6,500 individuals of European and African American ancestry in the NHLBI Exome Sequencing Project, indicating it is not a common benign variant in these populations. This variant occurs at a position that is highly conserved across species. Based on the currently available information, we consider BLM c.2074+5G>A to be a variant of uncertain significance. Furthermore, based on the currently available information, cancer risks associated with this variant, and with single variants the BLM gene in general, remain unclear.

Literature cited by the submitters: PubMed 17576681 (cited by Labcorp Genetics (formerly Invitae), Labcorp); PubMed 9536098 (cited by Labcorp Genetics (formerly Invitae), Labcorp); PubMed 10069810 (cited by Labcorp Genetics (formerly Invitae), Labcorp); PubMed 10812332 (cited by Labcorp Genetics (formerly Invitae), Labcorp); PubMed 12444098 (cited by Labcorp Genetics (formerly Invitae), Labcorp); PubMed 17407155 (cited by Labcorp Genetics (formerly Invitae), Labcorp); PubMed 17878217 (cited by Labcorp Genetics (formerly Invitae), Labcorp); PubMed 22582397 (cited by Labcorp Genetics (formerly Invitae), Labcorp); PubMed 31253795 (cited by Labcorp Genetics (formerly Invitae), Labcorp).